The following is an entry in ClinVar:

ClinVar aggregate classification (germline): Uncertain significance. Review status: criteria provided, multiple submitters, no conflicts (2 of 4 stars). 2 submissions from 2 submitters: Uncertain significance (2). Last evaluated 2024-11-27.

Conditions:
Intellectual disability. Also called: Intellectual functioning disability; intellectual disabilities; Intellectual developmental disorder. Identifiers: MedGen C3714756, MeSH D008607, MONDO:0001071, HP:0001249.

Allele frequency attached by ClinVar (database versions not stated): TOPMed below 0.00001; gnomAD exomes below 0.00001; gnomAD 0.00002.
gnomAD v4.1: 7 of 1,613,898 alleles (0.00043%); highest among the groups gnomAD compares: East Asian, 0.0045%; no homozygotes.

Submissions (2):

Clinical Genomics Laboratory, Washington University in St. Louis
Classification: Uncertain significance for Intellectual developmental disorder. Last evaluated: 2024-11-27. Review status: criteria provided, single submitter. Criteria: ACMG Guidelines, 2015. Collection method: clinical testing. Allele origin: germline.
Comment: The TRIO c.5957G>A (p.Arg1986Gln) variant, to our knowledge, has not been reported in the medical literature. This variant is only observed on 7/1,613,898 alleles in the general population (gnomAD v.4.1.0), indicating it is not a common variant. This variant resides within the GEFD2 domain that is highly conserved across the species (Debant A et al., PMID: 8643598). However, computational predictors suggest that the variant does not impact TRIO function. Due to limited information, and based on ACMG/AMP guidelines for variant interpretation (Richards S et al., PMID: 25741868), the clinical significance of this variant is uncertain at this time.

GeneDx
Classification: Uncertain significance. Last evaluated: 2023-03-30. Review status: criteria provided, single submitter. Criteria: GeneDx Variant Classification Process June 2021. Collection method: clinical testing. Allele origin: germline. Affected: yes.
Comment: In silico analysis supports that this missense variant does not alter protein structure/function; Has not been previously published as pathogenic or benign to our knowledge

NM_007118.4(TRIO):c.5957G>A (p.Arg1986Gln)

Gene: TRIO (trio Rho guanine nucleotide exchange factor; plus strand). Cytogenetic location: 5p15.2.
Variant type: single nucleotide variant.
Coding change: c.5957G>A on transcript NM_007118.4 (MANE Select); coding-DNA position 5957, G replaced by A.
Protein change: p.Arg1986Gln; replaces arginine 1986 with glutamine.
Molecular consequence: missense variant. On other transcripts: non-coding transcript variant (1).
Genome position (GRCh38, 1-based): chr5:14,472,636, G>A. VCF-style: chr5-14472636-G-A. GRCh37 (hg19) VCF-style: chr5-14472745-G-A.
Other names: short protein forms R1986Q.
Identifiers: ClinVar variation 2581886 (VCV002581886.2), dbSNP rs1349917608, ClinGen allele CA359228775.